The following is an entry in ClinVar:

NM_004104.5(FASN):c.6840C>T (p.Asp2280=)

Gene: FASN (fatty acid synthase; minus strand). Cytogenetic location: 17q25.3.
Variant type: single nucleotide variant.
Coding change: c.6840C>T on transcript NM_004104.5 (MANE Select); coding-DNA position 6840, C replaced by T.
Protein change: p.Asp2280=; no amino-acid change (aspartic acid 2280 retained).
Molecular consequence: synonymous variant.
Genome position (GRCh38, 1-based): chr17:82,080,577, G>A on the plus strand (C>T on the coding strand, the complement: FASN is on the minus strand). VCF-style: chr17-82080577-G-A. GRCh37 (hg19) VCF-style: chr17-80038453-G-A.
Other names: c.6840C>T (NM_004104.4).
Identifiers: ClinVar variation 2895280 (VCV002895280.5), dbSNP rs766219298, ClinGen allele CA8851165.
Genomic context (GRCh38, chr17:82,080,577, plus strand): 5'-GCCCTCGGGCTGCACCTGCCTGATGCAGTCGATGTAGTAGGCAGCCAGGCTGTGGATGCT[G>A]TCAAGGGGCGCAGCTGCAATGGCAGTGCCGGGCACTCAGCATGTGCAGGCGGCAGCCACG-3'
Protein context (NP_004095.4, residues 2270-2290): GLQCTRAAPL[Asp2280=]SIHSLAAYYI

ClinVar aggregate classification (germline): Likely benign. Review status: criteria provided, single submitter (1 of 4 stars). 2 submissions from 2 submitters: Likely benign (1). 1 of the submissions does not count toward it. Last evaluated 2023-07-30.

Conditions:
FASN-related disorder. Also called: FASN-related condition.
Epileptic encephalopathy. Identifiers: MedGen C0543888, HP:0200134.

Allele frequency attached by ClinVar (database versions not stated): TOPMed 0.00002; gnomAD 0.00003; gnomAD exomes 0.00005.
gnomAD v4.1: 70 of 1,556,134 alleles (0.0045%); highest among the groups gnomAD compares: Non-Finnish European, 0.0058%; no homozygotes.

Submissions (2):

Labcorp Genetics (formerly Invitae), Labcorp
Classification: Likely benign for Epileptic encephalopathy. Last evaluated: 2023-07-30. Review status: criteria provided, single submitter. Criteria: Invitae Variant Classification Sherloc (09022015). Collection method: clinical testing. Allele origin: germline.

PreventionGenetics, part of Exact Sciences
Classification: Likely benign for FASN-related condition. Last evaluated: 2019-09-10. Review status: no assertion criteria provided. Collection method: clinical testing. Allele origin: germline. Not counted in ClinVar's aggregate classification.
Comment: This variant is classified as likely benign based on ACMG/AMP sequence variant interpretation guidelines (Richards et al. 2015 PMID: 25741868, with internal and published modifications).